The following is an entry in ClinVar:

NM_000528.4(MAN2B1):c.1929-2A>G

Gene: MAN2B1 (mannosidase alpha class 2B member 1; minus strand). Cytogenetic location: 19p13.13.
Variant type: single nucleotide variant.
Coding change: c.1929-2A>G on transcript NM_000528.4 (MANE Select); the canonical splice acceptor site of the intron before coding-DNA position 1929, A replaced by G.
Molecular consequence: splice acceptor variant.
Genome position (GRCh38, 1-based): chr19:12,652,272, T>C on the plus strand (A>G on the coding strand, the complement: MAN2B1 is on the minus strand). VCF-style: chr19-12652272-T-C. GRCh37 (hg19) VCF-style: chr19-12763086-T-C.
Other names: c.1926-2A>G (NM_001173498.2).
Identifiers: ClinVar variation 974961 (VCV000974961.4), dbSNP rs2023856348, ClinGen allele CA404244383.

ClinVar aggregate classification (germline): Pathogenic/Likely pathogenic. Review status: criteria provided, multiple submitters, no conflicts (2 of 4 stars). 3 submissions from 3 submitters: Pathogenic (1); Likely pathogenic (2). Last evaluated 2024-02-10.

Conditions:
Deficiency of alpha-mannosidase (MANSA). Also called: Mannosidosis, alpha-, types I and II; Alpha-Mannosidosis; LYSOSOMAL ALPHA-D-MANNOSIDASE DEFICIENCY. Identifiers: Orphanet 61, MedGen C0024748, MONDO:0009561, OMIM 248500.

Submissions (3):

Labcorp Genetics (formerly Invitae), Labcorp
Classification: Likely pathogenic for Deficiency of alpha-mannosidase. Last evaluated: 2024-02-10. Review status: criteria provided, single submitter. Criteria: Invitae Variant Classification Sherloc (09022015). Collection method: clinical testing. Allele origin: germline.
Comment: This sequence change affects an acceptor splice site in intron 15 of the MAN2B1 gene. It is expected to disrupt RNA splicing. Variants that disrupt the donor or acceptor splice site typically lead to a loss of protein function (PMID: 16199547), and loss-of-function variants in MAN2B1 are known to be pathogenic (PMID: 9915946, 22161967). This variant is not present in population databases (gnomAD no frequency). Disruption of this splice site has been observed in individual(s) with alpha-mannosidosis (PMID: 22161967). ClinVar contains an entry for this variant (Variation ID: 974961). Algorithms developed to predict the effect of sequence changes on RNA splicing suggest that this variant may disrupt the consensus splice site. In summary, the currently available evidence indicates that the variant is pathogenic, but additional data are needed to prove that conclusively. Therefore, this variant has been classified as Likely Pathogenic.

Baylor Genetics
Classification: Pathogenic for Deficiency of alpha-mannosidase. Last evaluated: 2024-01-26. Review status: criteria provided, single submitter. Criteria: ACMG Guidelines, 2015. Collection method: clinical testing. Allele origin: unknown.

Women's Health and Genetics/Laboratory Corporation of America, LabCorp
Classification: Likely pathogenic for Deficiency of alpha-mannosidase. Last evaluated: 2020-07-24. Review status: criteria provided, single submitter. Criteria: LabCorp Variant Classification Summary - May 2015. Collection method: clinical testing. Allele origin: germline.
Comment: Variant summary: MAN2B1 c.1929-2A>G is located in a canonical splice-site and is predicted to affect mRNA splicing resulting in a significantly altered protein due to either exon skipping, shortening, or inclusion of intronic material. Several computational tools predict a significant impact on normal splicing: Two predict the variant abolishes a 5 splicing donor site. Two predict the variant weakens a 5' donor site. Four predict the variant weakens a 3 acceptor site. However, these predictions have yet to be confirmed by functional studies. The variant was absent in 251488 control chromosomes (gnomAD). c.1929-2A>G has been reported in the literature in at least one individual (homozygous) affected with Alpha-Mannosidosis (Stensland_2011). These data indicate that the variant may be associated with disease. To our knowledge, no experimental evidence demonstrating an impact on protein function has been reported. No clinical diagnostic laboratories have submitted clinical-significance assessments for this variant to ClinVar after 2014. Based on the evidence outlined above, the variant was classified as likely pathogenic.

Literature cited by the submitters: PubMed 16199547 (cited by Labcorp Genetics (formerly Invitae), Labcorp); PubMed 9915946 (cited by Labcorp Genetics (formerly Invitae), Labcorp); PubMed 22161967 (cited by Labcorp Genetics (formerly Invitae), Labcorp and Women's Health and Genetics/Laboratory Corporation of America, LabCorp).